The following is an entry in ClinVar:

ClinVar aggregate classification (germline): Uncertain significance. Review status: criteria provided, multiple submitters, no conflicts (2 of 4 stars). 3 submissions from 3 submitters: Uncertain significance (3). Last evaluated 2022-07-02.

Conditions:
Mucopolysaccharidosis, MPS-III-A (MPS3A). Also called: SANFILIPPO SYNDROME A; SULFAMIDASE DEFICIENCY; Mucopolysaccharidosis, type IIIA; Mucopolysaccharidosis type IIIA (Sanfilippo A); mucopolysaccharidosis type 3A; MPS IIIA (Sanfilippo Syndrome Type A). Identifiers: Orphanet 581, Orphanet 79269, MedGen C0086647, MONDO:0009655, OMIM 252900.

Allele frequency attached by ClinVar (database versions not stated): TOPMed 0.00001.
gnomAD v4.1: 41 of 1,608,584 alleles (0.0025%); highest among the groups gnomAD compares: Non-Finnish European, 0.0025%; no homozygotes.

Submissions (3):

Labcorp Genetics (formerly Invitae), Labcorp
Classification: Uncertain significance for Mucopolysaccharidosis, MPS-III-A. Last evaluated: 2022-07-02. Review status: criteria provided, single submitter. Criteria: Invitae Variant Classification Sherloc (09022015). Collection method: clinical testing. Allele origin: germline.
Comment: This sequence change replaces valine, which is neutral and non-polar, with leucine, which is neutral and non-polar, at codon 220 of the SGSH protein (p.Val220Leu). This variant is present in population databases (rs150508741, gnomAD 0.01%). This variant has not been reported in the literature in individuals affected with SGSH-related conditions. ClinVar contains an entry for this variant (Variation ID: 873500). Algorithms developed to predict the effect of missense changes on protein structure and function are either unavailable or do not agree on the potential impact of this missense change (SIFT: "Tolerated"; PolyPhen-2: "Possibly Damaging"; Align-GVGD: "Class C0"). In summary, the available evidence is currently insufficient to determine the role of this variant in disease. Therefore, it has been classified as a Variant of Uncertain Significance.

Genome-Nilou Lab
Classification: Uncertain significance for Mucopolysaccharidosis, MPS-III-A. Last evaluated: 2021-11-07. Review status: criteria provided, single submitter. Criteria: ACMG Guidelines, 2015. Collection method: clinical testing. Allele origin: germline. Affected: no.

Illumina Laboratory Services, Illumina
Classification: Uncertain significance for Mucopolysaccharidosis, MPS-III-A. Last evaluated: 2020-01-21. Review status: criteria provided, single submitter. Criteria: ICSLVariantClassificationCriteria RUGD 01 April 2020. Collection method: clinical testing. Allele origin: unknown.
Comment: The SGSH c.658G>C (p.Val220Leu) variant is a missense variant. A literature search was performed for the gene, cDNA change, and amino acid change. No publications were found based on this search. The p.Val220Leu variant is reported at a frequency of 0.000142 in the European (non-Finnish) population of the Genome Aggregation Database in a region of good sequence coverage. Based on the limited evidence, the p.Val220Leu variant is classified as a variant of unknown significance for mucopolysaccharidosis, type III.

NM_000199.5(SGSH):c.658G>C (p.Val220Leu)

Gene: SGSH (N-sulfoglucosamine sulfohydrolase; minus strand). Cytogenetic location: 17q25.3.
Variant type: single nucleotide variant.
Coding change: c.658G>C on transcript NM_000199.5 (MANE Select); coding-DNA position 658, G replaced by C.
Protein change: p.Val220Leu; replaces valine 220 with leucine.
Molecular consequence: missense variant. On other transcripts: non-coding transcript variant (1).
Genome position (GRCh38, 1-based): chr17:80,214,177, C>G on the plus strand (G>C on the coding strand, the complement: SGSH is on the minus strand). VCF-style: chr17-80214177-C-G. GRCh37 (hg19) VCF-style: chr17-78187976-C-G.
Other names: c.658G>C, p.Val220Leu (NM_001352921.3, NM_001352922.2); short protein forms V220L.
Identifiers: ClinVar variation 873500 (VCV000873500.8), dbSNP rs150508741, ClinGen allele CA8817922.